The following is an entry in ClinVar:

NM_006852.6(TLK2):c.392T>A (p.Leu131Ter)

Gene: TLK2 (tousled like kinase 2; plus strand). Cytogenetic location: 17q23.2.
Variant type: single nucleotide variant.
Coding change: c.392T>A on transcript NM_006852.6 (MANE Select); coding-DNA position 392, T replaced by A.
Protein change: p.Leu131Ter; replaces leucine 131 with a stop codon.
Molecular consequence: nonsense. On other transcripts: 5 prime UTR variant (2).
Genome position (GRCh38, 1-based): chr17:62,536,198, T>A. VCF-style: chr17-62536198-T-A. GRCh37 (hg19) VCF-style: chr17-60613559-T-A.
Other names: c.392T>A, p.Leu131Ter (NM_001284333.3, NM_001375270.1, NM_001375271.1); c.296T>A, p.Leu99Ter (NM_001284363.1, NM_001375272.1, NM_001411074.1); c.-56T>A (NM_001330418.3, NM_001375273.1); c.434T>A, p.Leu145Ter (NM_001375269.1); short protein forms L131*, L145*, L99*.
Identifiers: ClinVar variation 2628909 (VCV002628909.2), dbSNP rs2545298474, ClinGen allele CA400517473.

ClinVar aggregate classification (germline): Pathogenic (1 of 4 stars; one submission).

Conditions:
TLK2-related disorder. Also called: TLK2-related condition.

Submission:

PreventionGenetics, part of Exact Sciences
Classification: Pathogenic for TLK2-related condition. Last evaluated: 2026-07-17. Review status: criteria provided, single submitter. Criteria: ACMG Guidelines, 2015. Collection method: clinical testing. Allele origin: germline.
Comment: The TLK2 c.392T>A variant is predicted to result in premature protein termination (p.Leu131*). To our knowledge, this variant has not been reported in the literature or in a large population database (gnomAD), indicating this variant is rare. At PreventionGenetics, this variant has been reported to segregate with intellectual developmental disorder 57 in a family. Nonsense variants in TLK2 are expected to be pathogenic. This variant is interpreted as pathogenic.